The following is an entry in ClinVar:

ClinVar aggregate classification (germline): Likely benign. Review status: criteria provided, multiple submitters, no conflicts (2 of 4 stars). 2 submissions from 2 submitters: Likely benign (2). Last evaluated 2025-08-01.

Conditions:
Wilms tumor 1 (WT1). Also called: Wilms tumor, somatic. Identifiers: Orphanet 654, MedGen CN033288, MONDO:0008679, OMIM 194070.

Submissions (2):

CeGaT Center for Human Genetics Tuebingen
Classification: Likely benign. Last evaluated: 2025-08-01. Review status: criteria provided, single submitter. Criteria: CeGaT Center For Human Genetics Tuebingen Variant Classification Criteria Version 2. Collection method: clinical testing. Allele origin: germline. Affected: yes. Observed: 1 variant allele.
Comment: GPC3: PM2:Supporting, BP4, BP7

Labcorp Genetics (formerly Invitae), Labcorp
Classification: Likely benign for Wilms tumor 1. Last evaluated: 2022-07-30. Review status: criteria provided, single submitter. Criteria: Invitae Variant Classification Sherloc (09022015). Collection method: clinical testing. Allele origin: germline.

NM_004484.4(GPC3):c.48C>T (p.Leu16=)

Gene: GPC3 (glypican 3; minus strand). Cytogenetic location: Xq26.2.
Variant type: single nucleotide variant.
Coding change: c.48C>T on transcript NM_004484.4 (MANE Select); coding-DNA position 48, C replaced by T.
Protein change: p.Leu16=; no amino-acid change (leucine 16 retained).
Molecular consequence: synonymous variant.
Genome position (GRCh38, 1-based): chrX:133,985,402, G>A on the plus strand (C>T on the coding strand, the complement: GPC3 is on the minus strand). VCF-style: chrX-133985402-G-A. GRCh37 (hg19) VCF-style: chrX-133119429-G-A.
Other names: c.48C>T, p.Leu16= (NM_001164617.2, NM_001164618.2, NM_001164619.2).
Identifiers: ClinVar variation 2103428 (VCV002103428.12), dbSNP rs1478615335, ClinGen allele CA518636801.